The following is an entry in ClinVar:

NM_000038.6(APC):c.253G>A (p.Val85Ile)

Gene: APC (APC regulator of Wnt signaling pathway; plus strand). Cytogenetic location: 5q22.2.
Variant type: single nucleotide variant.
Coding change: c.253G>A on transcript NM_000038.6 (MANE Select); coding-DNA position 253, G replaced by A.
Protein change: p.Val85Ile; replaces valine 85 with isoleucine.
Molecular consequence: missense variant. On other transcripts: 5 prime UTR variant (1).
Genome position (GRCh38, 1-based): chr5:112,767,221, G>A. VCF-style: chr5-112767221-G-A. GRCh37 (hg19) VCF-style: chr5-112102918-G-A.
Other names: c.253G>A (NM_000038.5); c.253G>A, p.Val85Ile (NM_001127510.3, NM_001354895.2, NM_001354896.2 and 16 more transcripts); c.283G>A, p.Val95Ile (NM_001127511.3, NM_001354897.2, NM_001354902.2 and 1 more transcripts); c.178G>A, p.Val60Ile (NM_001354898.2, NM_001354904.2, NM_001407451.1); c.76G>A, p.Val26Ile (NM_001354900.2, NM_001354901.2, NM_001354905.2 and 1 more transcripts); c.-783G>A (NM_001354906.2, NM_001407470.1, NM_001407471.1 and 1 more transcripts); short protein forms V26I, V60I, V95I, V85I.
Identifiers: ClinVar variation 2092033 (VCV002092033.5), dbSNP rs2149787834, ClinGen allele CA16021896.

ClinVar aggregate classification (germline): Uncertain significance. Review status: criteria provided, multiple submitters, no conflicts (2 of 4 stars). 2 submissions from 2 submitters: Uncertain significance (2). Last evaluated 2025-06-13.

Conditions:
Hereditary cancer-predisposing syndrome. Also called: Tumor predisposition; Hereditary Cancer Syndrome; Hereditary neoplastic syndrome; Neoplastic Syndromes, Hereditary. Identifiers: Orphanet 140162, MedGen C0027672, MeSH D009386, MONDO:0015356.
Familial adenomatous polyposis 1 (FAP1). Also called: POLYPOSIS, ADENOMATOUS INTESTINAL; FAMILIAL ADENOMATOUS POLYPOSIS 1, ATTENUATED. Identifiers: MedGen C2713442, MONDO:0021056, OMIM 175100. Disease mechanism: loss of function.

Submissions (2):

Ambry Genetics
Classification: Uncertain significance for Hereditary cancer-predisposing syndrome. Last evaluated: 2025-06-13. Review status: criteria provided, single submitter. Criteria: Ambry Variant Classification Scheme 2023. Collection method: clinical testing. Allele origin: germline.
Comment: The p.V85I variant (also known as c.253G>A), located in coding exon 3 of the APC gene, results from a G to A substitution at nucleotide position 253. The valine at codon 85 is replaced by isoleucine, an amino acid with highly similar properties. This amino acid position is highly conserved in available vertebrate species. In addition, in silico predictors for this gene do not accurately predict pathogenicity. Missense alterations in APC are not a common cause of disease (Spier I et al. Genet Med. 2024 Feb;26(2):100992). Based on the available evidence, the clinical significance of this variant remains unclear.

Labcorp Genetics (formerly Invitae), Labcorp
Classification: Uncertain significance for Familial adenomatous polyposis 1. Last evaluated: 2022-09-01. Review status: criteria provided, single submitter. Criteria: Invitae Variant Classification Sherloc (09022015). Collection method: clinical testing. Allele origin: germline.
Comment: In summary, the available evidence is currently insufficient to determine the role of this variant in disease. Therefore, it has been classified as a Variant of Uncertain Significance. Algorithms developed to predict the effect of missense changes on protein structure and function (SIFT, PolyPhen-2, Align-GVGD) all suggest that this variant is likely to be tolerated. This variant has not been reported in the literature in individuals affected with APC-related conditions. This variant is not present in population databases (gnomAD no frequency). This sequence change replaces valine, which is neutral and non-polar, with isoleucine, which is neutral and non-polar, at codon 85 of the APC protein (p.Val85Ile).